The following is an entry in ClinVar:

NM_012092.4(ICOS):c.416T>G (p.Leu139Arg)

Gene: ICOS (inducible T cell costimulator; plus strand). Cytogenetic location: 2q33.2.
Variant type: single nucleotide variant.
Coding change: c.416T>G on transcript NM_012092.4 (MANE Select); coding-DNA position 416, T replaced by G.
Protein change: p.Leu139Arg; replaces leucine 139 with arginine.
Molecular consequence: missense variant.
Genome position (GRCh38, 1-based): chr2:203,956,680, T>G. VCF-style: chr2-203956680-T-G. GRCh37 (hg19) VCF-style: chr2-204821403-T-G.
Other names: short protein forms L139R.
Identifiers: ClinVar variation 1969734 (VCV001969734.2), dbSNP rs2469808325, ClinGen allele CA350140373.
Genomic context (GRCh38, chr2:203,956,680, plus strand): 5'-GCAGAATTTTTCATTAACATACCTTTTTTTCCAATCCAGAATCACAACTTTGTTGCCAGC[T>G]GAAGTTCTGGTTACCCATAGGATGTGCAGCCTTTGTTGTAGTCTGCATTTTGGGATGCAT-3'
Protein context (NP_036224.1, residues 129-149): HIYESQLCCQ[Leu139Arg]KFWLPIGCAA

ClinVar aggregate classification (germline): Uncertain significance (1 of 4 stars; one submission).

Conditions:
Immunodeficiency, common variable, 1. Also called: ANTIBODY DEFICIENCY DUE TO ICOS DEFECT. Identifiers: Orphanet 1572, Orphanet 695183, MedGen C3149378, MONDO:0011864, OMIM 607594.

Submission:

Labcorp Genetics (formerly Invitae), Labcorp
Classification: Uncertain significance for Immunodeficiency, common variable, 1. Last evaluated: 2022-07-17. Review status: criteria provided, single submitter. Criteria: Invitae Variant Classification Sherloc (09022015). Collection method: clinical testing. Allele origin: germline.
Comment: This sequence change replaces leucine, which is neutral and non-polar, with arginine, which is basic and polar, at codon 139 of the ICOS protein (p.Leu139Arg). This variant is not present in population databases (gnomAD no frequency). This variant has not been reported in the literature in individuals affected with ICOS-related conditions. Algorithms developed to predict the effect of missense changes on protein structure and function are either unavailable or do not agree on the potential impact of this missense change (SIFT: "Deleterious"; PolyPhen-2: "Probably Damaging"; Align-GVGD: "Class C0"). In summary, the available evidence is currently insufficient to determine the role of this variant in disease. Therefore, it has been classified as a Variant of Uncertain Significance.